The following is an entry in ClinVar:

NM_001378452.1(ITPR1):c.2862G>A (p.Met954Ile)

Gene: ITPR1 (inositol 1,4,5-trisphosphate receptor type 1; plus strand). Cytogenetic location: 3p26.1.
Variant type: single nucleotide variant.
Coding change: c.2862G>A on transcript NM_001378452.1 (MANE Select); coding-DNA position 2862, G replaced by A.
Protein change: p.Met954Ile; replaces methionine 954 with isoleucine.
Molecular consequence: missense variant.
Genome position (GRCh38, 1-based): chr3:4,676,696, G>A. VCF-style: chr3-4676696-G-A. GRCh37 (hg19) VCF-style: chr3-4718380-G-A.
Other names: c.2835G>A, p.Met945Ile (NM_001099952.4); c.2817G>A, p.Met939Ile (NM_001168272.2); c.2790G>A, p.Met930Ile (NM_002222.7); short protein forms M939I, M930I, M945I, M954I.
Identifiers: ClinVar variation 345717 (VCV000345717.12), dbSNP rs543514234, ClinGen allele CA2231540.

ClinVar aggregate classification (germline): Benign/Likely benign. Review status: criteria provided, multiple submitters, no conflicts (2 of 4 stars). 4 submissions from 4 submitters: Benign (3); Likely benign (1). Last evaluated 2025-05-23.

Conditions:
Autosomal dominant cerebellar ataxia. Also called: Spinocerebellar Ataxia, Dominant. Identifiers: Orphanet 99, MedGen C4087347, MONDO:0020380.
Inborn genetic diseases. Identifiers: MedGen C0950123, MeSH D030342.

Allele frequency attached by ClinVar (database versions not stated): gnomAD exomes 0.00048 and 0.00030; ExAC 0.00060; gnomAD 0.00001 and 0.00014; TOPMed 0.00003; 1000 Genomes Project 30x 0.00016; 1000 Genomes Project 0.00020.
gnomAD v4.1: 447 of 1,613,748 alleles (0.028%); highest among the groups gnomAD compares: South Asian, 0.34%; 6 homozygotes.

Submissions (4):

Labcorp Genetics (formerly Invitae), Labcorp
Classification: Benign. Last evaluated: 2025-05-23. Review status: criteria provided, single submitter. Criteria: Invitae Variant Classification Sherloc (09022015). Collection method: clinical testing. Allele origin: germline.

Ambry Genetics
Classification: Likely benign for Inborn genetic diseases. Last evaluated: 2023-06-16. Review status: criteria provided, single submitter. Criteria: Ambry Variant Classification Scheme 2023. Collection method: clinical testing. Allele origin: germline.

Athena Diagnostics
Classification: Benign. Last evaluated: 2021-06-07. Review status: criteria provided, single submitter. Criteria: Athena Diagnostics criteria. Collection method: clinical testing. Allele origin: unknown.

Illumina Laboratory Services, Illumina
Classification: Benign for Spinocerebellar Ataxia, Dominant. Last evaluated: 2018-01-13. Review status: criteria provided, single submitter. Criteria: ICSL Variant Classification Criteria 13 December 2019. Collection method: clinical testing. Allele origin: germline.
Comment: This variant was observed in the ICSL laboratory as part of a predisposition screen in an ostensibly healthy population. It had not been previously curated by ICSL or reported in the Human Gene Mutation Database (HGMD: prior to June 1st, 2018), and was therefore a candidate for classification through an automated scoring system. Utilizing variant allele frequency, disease prevalence and penetrance estimates, and inheritance mode, an automated score was calculated to assess if this variant is too frequent to cause the disease. Based on the score and internal cut-off values, a variant classified as benign is not then subjected to further curation. The score for this variant resulted in a classification of benign for this disease.